The following is an entry in ClinVar:

ClinVar aggregate classification (germline): Pathogenic (1 of 4 stars; one submission).

Conditions:
Hepatic methionine adenosyltransferase deficiency. Also called: Deficiency of methionine adenosyltransferase; Isolated Persistent Hypermethioninemia; MAT I/III DEFICIENCY; Methionine adenosyltransferase deficiency. Identifiers: Orphanet 168598, MedGen C0268621, MeSH C564683, MONDO:0009607, OMIM 250850.

Submission:

Labcorp Genetics (formerly Invitae), Labcorp
Classification: Pathogenic for Hepatic methionine adenosyltransferase deficiency. Last evaluated: 2023-07-19. Review status: criteria provided, single submitter. Criteria: Invitae Variant Classification Sherloc (09022015). Collection method: clinical testing. Allele origin: unknown.
Comment: For these reasons, this variant has been classified as Pathogenic. A similar copy number variant has been observed in individual(s) with MAT1A-related conditions (PMID: 26289392). A gross deletion of the genomic region encompassing the full coding sequence of the MAT1A gene has been identified. Loss-of-function variants in MAT1A are known to be pathogenic (PMID: 20675163, 24231718). The boundaries of this event are unknown as they extend beyond the assayed region for this gene and therefore may encompass additional genes.

Literature cited by the submitters: PubMed 26289392; PubMed 20675163; PubMed 24231718.

NC_000010.10:g.(?_81697608)_(82049179_?)del

Genes: ANXA11 (annexin A11; minus strand), MAT1A (methionine adenosyltransferase 1A; minus strand), PLAC9 (placenta associated 9; plus strand), SFTPD (surfactant protein D; minus strand), TMEM254 (transmembrane protein 254; plus strand). Cytogenetic location: 10q22.3-23.1.
Variant type: Deletion.
Identifiers: ClinVar variation 3244818 (VCV003244818.1).